The following is an entry in ClinVar:

NM_022552.5(DNMT3A):c.1936+3G>A

Gene: DNMT3A (DNA methyltransferase 3 alpha; minus strand). Cytogenetic location: 2p23.3.
Variant type: single nucleotide variant.
Coding change: c.1936+3G>A on transcript NM_022552.5 (MANE Select); 3 bases into the intron after coding-DNA position 1936, G replaced by A.
Molecular consequence: intron variant.
Genome position (GRCh38, 1-based): chr2:25,243,895, C>T on the plus strand (G>A on the coding strand, the complement: DNMT3A is on the minus strand). VCF-style: chr2-25243895-C-T. GRCh37 (hg19) VCF-style: chr2-25466764-C-T.
Other names: c.1936+3G>A (NM_175629.2); c.1369+3G>A (NM_153759.3); c.1480+3G>A (NM_001320893.1); c.1267+3G>A (NM_001375819.1).
Identifiers: ClinVar variation 3031950 (VCV003031950.4), dbSNP rs1283507922, ClinGen allele CA767175834.
Genomic context (GRCh38, chr2:25,243,895, plus strand): 5'-ACACACCTGGCTCCCCCATCCTGGGACAAGGCGGCCAGCACCTCTTGGGCCTGCACCCCT[C>T]ACCTGTAGCGATTCCATCAAAGAGAGACAGCACCCGGATGGGCTTCCTCTTCTCAGCTGG-3'

ClinVar aggregate classification (germline): Uncertain significance. Review status: criteria provided, single submitter (1 of 4 stars). 2 submissions from 2 submitters: Uncertain significance (1). 1 of the submissions does not count toward it. Last evaluated 2024-09-21.

Conditions:
DNMT3A-related disorder. Also called: DNMT3A-related disorders; DNMT3A-related condition.
Tatton-Brown-Rahman overgrowth syndrome. Also called: Tatton-Brown-Rahman syndrome; Tall stature-intellectual disability-facial dysmorphism syndrome. Identifiers: Orphanet 404443, MedGen C4014545, MONDO:0014382, OMIM 615879.

Allele frequency attached by ClinVar (database versions not stated): gnomAD exomes below 0.00001; TOPMed 0.00001.
gnomAD v4.1: 6 of 1,551,930 alleles (0.00039%); highest among the groups gnomAD compares: Non-Finnish European, 0.00052%; no homozygotes.

Submissions (2):

Labcorp Genetics (formerly Invitae), Labcorp
Classification: Uncertain significance for Tatton-Brown-Rahman overgrowth syndrome. Last evaluated: 2024-09-21. Review status: criteria provided, single submitter. Criteria: Invitae Variant Classification Sherloc (09022015). Collection method: clinical testing. Allele origin: germline.
Comment: This sequence change falls in intron 16 of the DNMT3A gene. It does not directly change the encoded amino acid sequence of the DNMT3A protein. It affects a nucleotide within the consensus splice site. This variant is not present in population databases (gnomAD no frequency). This variant has not been reported in the literature in individuals affected with DNMT3A-related conditions. Variants that disrupt the consensus splice site are a relatively common cause of aberrant splicing (PMID: 17576681, 9536098). Algorithms developed to predict the effect of sequence changes on RNA splicing suggest that this variant is not likely to affect RNA splicing. In summary, the available evidence is currently insufficient to determine the role of this variant in disease. Therefore, it has been classified as a Variant of Uncertain Significance.

PreventionGenetics, part of Exact Sciences
Classification: Likely benign for DNMT3A-related condition. Last evaluated: 2021-12-02. Review status: no assertion criteria provided. Collection method: clinical testing. Allele origin: germline. Not counted in ClinVar's aggregate classification.
Comment: This variant is classified as likely benign based on ACMG/AMP sequence variant interpretation guidelines (Richards et al. 2015 PMID: 25741868, with internal and published modifications).

Literature cited by the submitters: PubMed 17576681 (cited by Labcorp Genetics (formerly Invitae), Labcorp); PubMed 9536098 (cited by Labcorp Genetics (formerly Invitae), Labcorp).